The following is an entry in ClinVar:

NM_006516.4(SLC2A1):c.973-17A>G

Gene: SLC2A1 (solute carrier family 2 member 1; minus strand). Cytogenetic location: 1p34.2.
Variant type: single nucleotide variant.
Coding change: c.973-17A>G on transcript NM_006516.4 (MANE Select); 17 bases into the intron before coding-DNA position 973, A replaced by G.
Molecular consequence: intron variant.
Genome position (GRCh38, 1-based): chr1:42,929,050, T>C on the plus strand (A>G on the coding strand, the complement: SLC2A1 is on the minus strand). VCF-style: chr1-42929050-T-C. GRCh37 (hg19) VCF-style: chr1-43394721-T-C.
Identifiers: ClinVar variation 139164 (VCV000139164.18), dbSNP rs111596088, ClinGen allele CA019376.

ClinVar aggregate classification (germline): Benign. Review status: criteria provided, multiple submitters, no conflicts (2 of 4 stars). 11 submissions from 7 submitters: Benign (9). 2 of the submissions do not count toward it. Last evaluated 2026-02-03.

Conditions:
Hereditary cryohydrocytosis with reduced stomatin. Also called: Stomatin-deficient cryohydrocytosis with neurologic defects; GLUT1 DEFICIENCY SYNDROME WITH PSEUDOHYPERKALEMIA AND HEMOLYSIS. Identifiers: Orphanet 168577, MedGen C1837206, MONDO:0012143, OMIM 608885.
GLUT1 deficiency syndrome 1, autosomal recessive. Identifiers: MedGen C3149117.
Childhood onset GLUT1 deficiency syndrome 2. Also called: PAROXYSMAL EXERCISE-INDUCED DYSKINESIA WITH OR WITHOUT EPILEPSY AND/OR HEMOLYTIC ANEMIA; PAROXYSMAL EXERTION-INDUCED DYSTONIA WITH OR WITHOUT EPILEPSY AND/OR HEMOLYTIC ANEMIA; PED WITH OR WITHOUT EPILEPSY AND/OR HEMOLYTIC ANEMIA; Paroxysmal exercise-induced dystonia; GLUT1 deficiency syndrome 2; Exertion-induced paroxysmal dyskinesia. Identifiers: Orphanet 98811, MedGen C1842534, MONDO:0012805, OMIM 612126.
Epilepsy, idiopathic generalized, susceptibility to, 12 (EIG12). Identifiers: MedGen C3553859, MONDO:0013919, OMIM 614847.
Dystonia 9 (DYT9). Also called: CHOREOATHETOSIS, KINESIGENIC, WITH EPISODIC ATAXIA AND SPASTICITY. Identifiers: Orphanet 53583, MedGen C1832855, MONDO:0010983, OMIM 601042.
Encephalopathy due to GLUT1 deficiency. Also called: GLUCOSE TRANSPORT DEFECT, BLOOD-BRAIN BARRIER; De Vivo disease; Glucose transporter protein syndrome; Classic Glucose Transporter Type 1 Deficiency Syndrome; GLUT1 deficiency syndrome 1; GLUT1 deficiency syndrome 1, infantile onset, severe. Identifiers: Orphanet 71277, MedGen C4551966, MONDO:0011724, OMIM 606777.

Allele frequency attached by ClinVar (database versions not stated): gnomAD exomes 0.00094 and 0.00243; ExAC 0.00290; 1000 Genomes Project 0.00819; 1000 Genomes Project 30x 0.00890; gnomAD 0.00948 and 0.01025; TOPMed 0.01017; ESP Exome Variant Server 0.01061.
gnomAD v4.1: 2,901 of 1,611,250 alleles (0.18%); highest among the groups gnomAD compares: African/African-American, 3.4%; 49 homozygotes.

Submissions (11):

Labcorp Genetics (formerly Invitae), Labcorp
Classification: Benign for GLUT1 deficiency syndrome 1, autosomal recessive. Last evaluated: 2026-02-03. Review status: criteria provided, single submitter. Criteria: Invitae Variant Classification Sherloc (09022015). Collection method: clinical testing. Allele origin: germline.

Genome-Nilou Lab
Classification: Benign for Epilepsy, idiopathic generalized, susceptibility to, 12. Last evaluated: 2023-04-11. Review status: criteria provided, single submitter. Criteria: ACMG Guidelines, 2015. Collection method: clinical testing. Allele origin: germline. Affected: no.

Genome-Nilou Lab
Classification: Benign for Dystonia 9. Last evaluated: 2023-04-11. Review status: criteria provided, single submitter. Criteria: ACMG Guidelines, 2015. Collection method: clinical testing. Allele origin: germline. Affected: no.

Genome-Nilou Lab
Classification: Benign for Encephalopathy due to GLUT1 deficiency. Last evaluated: 2023-04-11. Review status: criteria provided, single submitter. Criteria: ACMG Guidelines, 2015. Collection method: clinical testing. Allele origin: germline. Affected: no.

Genome-Nilou Lab
Classification: Benign for Childhood onset GLUT1 deficiency syndrome 2. Last evaluated: 2023-04-11. Review status: criteria provided, single submitter. Criteria: ACMG Guidelines, 2015. Collection method: clinical testing. Allele origin: germline. Affected: no.

Genome-Nilou Lab
Classification: Benign for Hereditary cryohydrocytosis with reduced stomatin. Last evaluated: 2023-04-11. Review status: criteria provided, single submitter. Criteria: ACMG Guidelines, 2015. Collection method: clinical testing. Allele origin: germline. Affected: no.

Eurofins Ntd Llc (ga)
Classification: Benign. Last evaluated: 2016-10-07. Review status: criteria provided, single submitter. Criteria: EGL Classification Definitions 2015. Collection method: clinical testing. Allele origin: germline. Observed: 1 variant allele, 1 heterozygote.

GeneDx
Classification: Benign. Last evaluated: 2013-03-15. Review status: criteria provided, single submitter. Criteria: GeneDx Variant Classification (06012015). Collection method: clinical testing. Allele origin: germline. Affected: yes.
Comment: This variant is considered likely benign or benign based on one or more of the following criteria: it is a conservative change, it occurs at a poorly conserved position in the protein, it is predicted to be benign by multiple in silico algorithms, and/or has population frequency not consistent with disease.

Breakthrough Genomics
Classification: Benign. Review status: criteria provided, single submitter. Criteria: ACMG Guidelines, 2015. Collection method: not provided. Allele origin: germline. Inheritance: Autosomal dominant inheritance. Affected: yes.

Genome Diagnostics Laboratory, University Medical Center Utrecht
Classification: Benign. Review status: no assertion criteria provided. Collection method: clinical testing. Allele origin: germline. Affected: yes. Study: VKGL Data-share Consensus. Not counted in ClinVar's aggregate classification.

Joint Genome Diagnostic Labs from Nijmegen and Maastricht, Radboudumc and MUMC+
Classification: Benign. Review status: no assertion criteria provided. Collection method: clinical testing. Allele origin: germline. Affected: yes. Study: VKGL Data-share Consensus. Not counted in ClinVar's aggregate classification.